The following is an entry in ClinVar:

ClinVar aggregate classification (germline): Uncertain significance (1 of 4 stars; one submission).

Allele frequency attached by ClinVar (database versions not stated): gnomAD exomes below 0.00001.
gnomAD v4.1: 1 of 1,612,976 alleles (0.000062%); highest among the groups gnomAD compares: Admixed American, 0.0017%; no homozygotes.

Submission:

Labcorp Genetics (formerly Invitae), Labcorp
Classification: Uncertain significance. Last evaluated: 2024-10-13. Review status: criteria provided, single submitter. Criteria: Invitae Variant Classification Sherloc (09022015). Collection method: clinical testing. Allele origin: germline.
Comment: This sequence change replaces glycine, which is neutral and non-polar, with aspartic acid, which is acidic and polar, at codon 639 of the COL9A3 protein (p.Gly639Asp). This variant is not present in population databases (gnomAD no frequency). This variant has not been reported in the literature in individuals affected with COL9A3-related conditions. ClinVar contains an entry for this variant (Variation ID: 2095869). Invitae Evidence Modeling of protein sequence and biophysical properties (such as structural, functional, and spatial information, amino acid conservation, physicochemical variation, residue mobility, and thermodynamic stability) indicates that this missense variant is expected to disrupt COL9A3 protein function with a positive predictive value of 95%. In summary, the available evidence is currently insufficient to determine the role of this variant in disease. Therefore, it has been classified as a Variant of Uncertain Significance.

NM_001853.4(COL9A3):c.1916G>A (p.Gly639Asp)

Gene: COL9A3 (collagen type IX alpha 3 chain; plus strand). Cytogenetic location: 20q13.33.
Variant type: single nucleotide variant.
Coding change: c.1916G>A on transcript NM_001853.4 (MANE Select); coding-DNA position 1916, G replaced by A.
Protein change: p.Gly639Asp; replaces glycine 639 with aspartic acid.
Molecular consequence: missense variant.
Genome position (GRCh38, 1-based): chr20:62,840,593, G>A. VCF-style: chr20-62840593-G-A. GRCh37 (hg19) VCF-style: chr20-61471945-G-A.
Other names: short protein forms G639D.
Identifiers: ClinVar variation 2095869 (VCV002095869.4), dbSNP rs2516100107, ClinGen allele CA409601402.